The following is an entry in ClinVar:

NC_000023.10:g.(?_18582577)_(18631415_?)dup

Gene: CDKL5 (cyclin dependent kinase like 5; plus strand). Cytogenetic location: Xp22.13.
Variant type: Duplication.
Identifiers: ClinVar variation 1508848 (VCV001508848.6).

ClinVar aggregate classification (germline): Likely pathogenic (1 of 4 stars; one submission).

Conditions:
Angelman syndrome-like. Identifiers: MedGen CN128785.
Developmental and epileptic encephalopathy, 2 (DEE2). Also called: INFANTILE SPASM SYNDROME, X-LINKED 2; CDKL5 deficiency disorder. Identifiers: Orphanet 1934, Orphanet 3451, Orphanet 505652, MedGen C4750718, MONDO:0010396, OMIM 300672.

Submission:

Labcorp Genetics (formerly Invitae), Labcorp
Classification: Likely pathogenic for Developmental and epileptic encephalopathy, 2; Angelman syndrome-like. Last evaluated: 2021-06-12. Review status: criteria provided, single submitter. Criteria: Invitae Variant Classification Sherloc (09022015). Collection method: clinical testing. Allele origin: germline.
Comment: In summary, the currently available evidence indicates that the variant is pathogenic, but additional data are needed to prove that conclusively. Therefore, this variant has been classified as Likely Pathogenic. This variant has not been reported in the literature in individuals with CDKL5-related conditions. This variant results in a copy number gain of the genomic region encompassing exon(s) 4-15 of the CDKL5 gene. While the exact position of this variant cannot be determined from the data, sub-genic copy number gains are generally in tandem (PMID: 25640679). This variant is predicted to be out-of-frame, and may result in an absent or disrupted protein product. Loss-of-function variants in CDKL5 are known to be pathogenic (PMID: 22872100).

Literature cited by the submitters: PubMed 25640679; PubMed 22872100.